The following is an entry in ClinVar:

ClinVar aggregate classification (germline): Pathogenic. Review status: reviewed by expert panel (3 of 4 stars). 12 submissions from 11 submitters: Pathogenic (1). 11 of the submissions do not count toward it. Last evaluated 2025-11-25.

Conditions:
ABCA4-related disorder. Also called: ABCA4-related disorders; ABCA4-related condition. Identifiers: MedGen CN239167.
ABCA4-related retinopathy. Also called: ABCA4-related retinoapthy; ABCA4 retinoapthy. Identifiers: MedGen CN322612, MONDO:0800406.
Retinal dystrophy. Also called: Inherited retinal dystrophy. Identifiers: Orphanet 71862, MedGen C0854723, MeSH D058499, MONDO:0019118, HP:0000556.
Stargardt disease (FFM). Also called: Stargardt's disease; Fundus flavimaculatus. Identifiers: Orphanet 827, MedGen C0271093, MONDO:0019353.
Severe early-childhood-onset retinal dystrophy (STGD1). Also called: MACULAR DYSTROPHY WITH FLECKS, TYPE 1; STGD; Stargardt macular dystrophy; Juvenile onset macular degeneration; Stargardt disease 1. Identifiers: Orphanet 364055, Orphanet 827, MedGen C1855465, MeSH D000080362, MONDO:0009549, OMIM 248200.

Allele frequency attached by ClinVar (database versions not stated): ExAC 0.00002; gnomAD 0.00003 and 0.00004; gnomAD exomes 0.00002; TOPMed 0.00003.
gnomAD v4.1: 12 of 1,613,960 alleles (0.00074%); highest among the groups gnomAD compares: African/African-American, 0.004%; no homozygotes.

Submissions (12):

ClinGen ABCA4 Variant Curation Expert Panel, Clingen
Classification: Pathogenic for ABCA4-related retinopathy. Last evaluated: 2025-11-25. Review status: reviewed by expert panel. Criteria: ClinGen ABCA4 ACMG Specifications V1.0.0. Collection method: curation. Allele origin: germline. Inheritance: Autosomal recessive inheritance.
Comment: The NM_000350.3:c.6112C>T variant in ABCA4 is a missense variant predicted to cause substitution of arginine by tryptophan at amino acid 2038 (p.Arg2038Trp). The total minor allele frequency in gnomAD v4.1.0 is 0.00000743 (12/1613960 alleles), which is lower than the ClinGen ABCA4 VCEP’s threshold for PM2_Supporting (<0.0001). The computational predictor REVEL gives a score of 0.941 which is above the threshold of >0.772, evidence that predicts a damaging effect on ABCA4 function (PP3_Moderate). The prevalence of the variant in affected individuals is significantly increased compared with the prevalence in controls. The OR is 119 and the CI is 28.97-1037.92, which is above the ABCA4 VCEP threshold of ≥5, where the CI does not contain 1 (PS4; PMID: 35120629). This variant has been detected in at least 3 individuals with ABCA4-related retinopathy. At least one patient with this variant displayed presence of at least two ABCA4 variants, onset under 18 years of age, macular flecks on imaging, and decreased central visual acuity with >100 genes tested to rule out alternative cause of disease, which is highly specific for ABCA4-related retinopathy (PP4, PMID:24763286). Of these 3 probands, 2 individuals were compound heterozygous for the variant and a pathogenic or likely pathogenic variant and one of those were confirmed in trans by parental/family testing (c.5882G>A; p.Gly1961Glu and c.1804C>T; p.Arg602Trp - 1.5 points) 1 individual was homozygous for the variant (0.5 points) (2 PM3 points; PM3_Strong; PMID:29925512, 29854428, 24763286). In summary, this variant meets the criteria to be classified as pathogenic for ABCA4-related retinopathy based on the ACMG/AMP criteria applied, as specified by the ClinGen ABCA4 VCEP Specification Version 1.0.0: PM3_Strong, PS4, PP4, PP3_Moderate, PM2_Supporting.

Labcorp Genetics (formerly Invitae), Labcorp
Classification: Pathogenic. Last evaluated: 2026-02-01. Review status: criteria provided, single submitter. Criteria: Invitae Variant Classification Sherloc (09022015). Collection method: clinical testing. Allele origin: germline. Not counted in ClinVar's aggregate classification.
Comment: This sequence change replaces arginine, which is basic and polar, with tryptophan, which is neutral and slightly polar, at codon 2038 of the ABCA4 protein (p.Arg2038Trp). This variant is present in population databases (rs61750643, gnomAD 0.007%). This missense change has been observed in individuals with Stargardt disease (PMID: 15161829, 24763286, 29854428, 29925512). It has also been observed to segregate with disease in related individuals. ClinVar contains an entry for this variant (Variation ID: 99430). Invitae Evidence Modeling of protein sequence and biophysical properties (such as structural, functional, and spatial information, amino acid conservation, physicochemical variation, residue mobility, and thermodynamic stability) indicates that this missense variant is expected to disrupt ABCA4 protein function with a positive predictive value of 95%. Experimental studies have shown that this missense change affects ABCA4 function (PMID: 12962493). For these reasons, this variant has been classified as Pathogenic.

Dasa
Classification: Pathogenic. Last evaluated: 2026-01-23. Review status: criteria provided, single submitter. Criteria: DASA Assertion Criteria. Collection method: clinical testing. Allele origin: germline. Not counted in ClinVar's aggregate classification.
Comment: NM_000350.3(ABCA4):c.6112C>T (p.Arg2038Trp) is a missense variant that results in the substitution of arginine with tryptophan. The affected residue or protein region has prior evidence supporting clinical relevance. This variant has been observed in affected individuals with related phenotype in a genotype context consistent with recessive disease (PMID: 15161829; PMID: 24763286; PMID: 29854428; PMID: 29925512). This variant has been recurrently observed in individuals with related phenotype (PMID: 15161829; PMID: 24763286; PMID: 29854428; PMID: 29925512). Multiple computational predictions support a deleterious effect on the gene or gene product. The variant is present at low frequency in population datasets. Based on the available data, this variant is classified as pathogenic.

PreventionGenetics, part of Exact Sciences
Classification: Pathogenic for ABCA4-related condition. Last evaluated: 2025-12-18. Review status: criteria provided, single submitter. Criteria: ACMG Guidelines, 2015. Collection method: clinical testing. Allele origin: germline. Not counted in ClinVar's aggregate classification.
Comment: The ABCA4 c.6112C>T variant is predicted to result in the amino acid substitution p.Arg2038Trp. This variant has been reported in many individuals with Stargardt disease or ABCA4-related retinal disease (see for example: referred to as R2068W in Allikmets et al. 1997. PubMed ID: 9054934; Table S2, Gao et al. 2019. PubMed ID: 31054281; Table S1, Lin et al. 2024. PubMed ID: 38219857). This variant has been shown to impact protein function (Biswas-Fiss et al. 2003. PubMed ID: 12962493). An alternate missense change (p.Arg2038Gln) has been reported in individuals with ABCA4-related retinal disease (Supplementary Data 1, Chen et al. 2021. PubMed ID: 33608557). The p.Arg2038Trp variant is reported in 0.0062% of alleles in individuals of African descent in gnomAD. This variant is interpreted as pathogenic.

Women's Health and Genetics/Laboratory Corporation of America, LabCorp
Classification: Pathogenic for Stargardt disease. Last evaluated: 2025-12-10. Review status: criteria provided, single submitter. Criteria: LabCorp Variant Classification Summary - May 2015. Collection method: clinical testing. Allele origin: germline. Not counted in ClinVar's aggregate classification.
Comment: Variant summary: ABCA4 c.6112C>T (p.Arg2038Trp) results in a non-conservative amino acid change in the encoded protein sequence. Algorithms developed to predict the effect of missense changes on protein structure and function all suggest that this variant is likely to be disruptive. The variant allele was found at a frequency of 1.6e-05 in 251344 control chromosomes (gnomAD). c.6112C>T has been observed in multiple individuals affected with Stargardt Disease (e.g. Zhang_2014, Fujinami_2019, Weisschuh_2020). These data indicate that the variant is very likely to be associated with disease. The following publications have been ascertained in the context of this evaluation (PMID: 29925512, 32531858, 24763286). ClinVar contains an entry for this variant (Variation ID: 99430). Based on the evidence outlined above, the variant was classified as pathogenic.

GeneDx
Classification: Pathogenic. Last evaluated: 2022-02-21. Review status: criteria provided, single submitter. Criteria: GeneDx Variant Classification Process June 2021. Collection method: clinical testing. Allele origin: germline. Affected: yes. Not counted in ClinVar's aggregate classification.
Comment: Published functional studies demonstrate that the p.(R2038W) variant results in decreased ATP hydrolysis and decreased binding affinity for ATP (Biswas-Fiss et al., 2003); In silico analysis, which includes protein predictors and evolutionary conservation, supports a deleterious effect; This variant is associated with the following publications: (PMID: 9054934, 11379881, 15161829, 24763286, 28118664, 31054281, 29555955, 29854428, 33261146, 33090715, 31510083, 22328824, 22863181, 19230850, 9973280, 30093795, 12962493, 29925512)

Blueprint Genetics
Classification: Pathogenic for ABCA4-related disorders. Last evaluated: 2021-10-22. Review status: criteria provided, single submitter. Criteria: ACMG Guidelines, 2015. Collection method: clinical testing. Allele origin: germline. Affected: yes. Observed: 5 variant alleles. Not counted in ClinVar's aggregate classification.

Institute of Medical Genetics and Applied Genomics, University Hospital Tübingen
Classification: Pathogenic. Last evaluated: 2020-10-23. Review status: criteria provided, single submitter. Criteria: ACMG Guidelines, 2015. Collection method: clinical testing. Allele origin: germline. Inheritance: Unknown mechanism. Affected: yes. Not counted in ClinVar's aggregate classification.

Institute of Human Genetics, Univ. Regensburg, Univ. Regensburg
Classification: Pathogenic for Retinal dystrophy. Last evaluated: 2019-01-01. Review status: criteria provided, single submitter. Criteria: ACMG Guidelines, 2015. Collection method: clinical testing. Allele origin: germline. Affected: yes. Not counted in ClinVar's aggregate classification.

Institute of Human Genetics, Univ. Regensburg, Univ. Regensburg
Classification: Pathogenic for Severe early-childhood-onset retinal dystrophy. Last evaluated: 2016-01-01. Review status: criteria provided, single submitter. Criteria: Schulz et al. (Invest Ophthalmol Vis Sci. 2017). Collection method: clinical testing. Allele origin: germline. Affected: yes. Observed: 1 heterozygote. Not counted in ClinVar's aggregate classification.

Clinical Genetics Service, Universitary Hospital 12 de Octubre
Classification: Pathogenic for Severe early-childhood-onset retinal dystrophy. Review status: criteria provided, single submitter. Criteria: ACMG Guidelines, 2015. Collection method: clinical testing. Allele origin: germline. Affected: yes. Not counted in ClinVar's aggregate classification.

Retina International
No classification provided. Review status: no classification provided. Collection method: not provided. Allele origin: not provided. Not counted in ClinVar's aggregate classification.

Literature cited by the submitters: PubMed 15161829 (cited by Labcorp Genetics (formerly Invitae), Labcorp and Dasa); PubMed 24763286 (cited by 3 submitters); PubMed 29854428 (cited by Labcorp Genetics (formerly Invitae), Labcorp and Dasa); PubMed 29925512 (cited by 4 submitters); PubMed 12962493 (cited by Labcorp Genetics (formerly Invitae), Labcorp and Institute of Human Genetics, Univ. Regensburg, Univ. Regensburg); PubMed 32531858 (cited by Women's Health and Genetics/Laboratory Corporation of America, LabCorp and Institute of Human Genetics, Univ. Regensburg, Univ. Regensburg); PubMed 9054934 (cited by Institute of Human Genetics, Univ. Regensburg, Univ. Regensburg); PubMed 29555955 (cited by Institute of Human Genetics, Univ. Regensburg, Univ. Regensburg); PubMed 30093795 (cited by Institute of Human Genetics, Univ. Regensburg, Univ. Regensburg); PubMed 31054281 (cited by Institute of Human Genetics, Univ. Regensburg, Univ. Regensburg); PubMed 31964843 (cited by Institute of Human Genetics, Univ. Regensburg, Univ. Regensburg); PubMed 32307445 (cited by Institute of Human Genetics, Univ. Regensburg, Univ. Regensburg); PubMed 33090715 (cited by Institute of Human Genetics, Univ. Regensburg, Univ. Regensburg); PubMed 33261146 (cited by Institute of Human Genetics, Univ. Regensburg, Univ. Regensburg); PubMed 35119454 (cited by Institute of Human Genetics, Univ. Regensburg, Univ. Regensburg); PubMed 35076026 (cited by Institute of Human Genetics, Univ. Regensburg, Univ. Regensburg); PubMed 35657619 (cited by Institute of Human Genetics, Univ. Regensburg, Univ. Regensburg).

NM_000350.3(ABCA4):c.6112C>T (p.Arg2038Trp)

Gene: ABCA4 (ATP binding cassette subfamily A member 4; minus strand). Cytogenetic location: 1p22.1.
Variant type: single nucleotide variant.
Coding change: c.6112C>T on transcript NM_000350.3 (MANE Select); coding-DNA position 6112, C replaced by T.
Protein change: p.Arg2038Trp; replaces arginine 2038 with tryptophan.
Molecular consequence: missense variant.
Genome position (GRCh38, 1-based): chr1:94,005,476, G>A on the plus strand (C>T on the coding strand, the complement: ABCA4 is on the minus strand). VCF-style: chr1-94005476-G-A. GRCh37 (hg19) VCF-style: chr1-94471032-G-A.
Other names: NM_000350.3(ABCA4):c.6112C>T; c.5890C>T, p.Arg1964Trp (NM_001425324.1); short protein forms R2038W, R1964W.
Identifiers: ClinVar variation 99430 (VCV000099430.22), dbSNP rs61750643, ClinGen allele CA227368.